The following is an entry in ClinVar:

ClinVar aggregate classification (germline): Uncertain significance. Review status: criteria provided, multiple submitters, no conflicts (2 of 4 stars). 2 submissions from 2 submitters: Uncertain significance (2). Last evaluated 2018-08-22.

Conditions:
Idiopathic generalized epilepsy. Also called: EIG; Generalised epilepsy. Identifiers: MedGen C0270850, MONDO:0005579, OMIM 600669.

Allele frequency attached by ClinVar (database versions not stated): TOPMed 0.00002; gnomAD 0.00003; gnomAD exomes 0.00003; ExAC 0.00004; ESP Exome Variant Server 0.00008.
gnomAD v4.1: 17 of 1,610,616 alleles (0.0011%); highest among the groups gnomAD compares: East Asian, 0.011%; no homozygotes.

Submissions (2):

Labcorp Genetics (formerly Invitae), Labcorp
Classification: Uncertain significance for Idiopathic generalized epilepsy. Last evaluated: 2018-08-22. Review status: criteria provided, single submitter. Criteria: Invitae Variant Classification Sherloc (09022015). Collection method: clinical testing. Allele origin: germline.
Comment: This sequence change results in a premature translational stop signal in the CACNB4 gene (p.Arg517*). While this is not anticipated to result in nonsense mediated decay, it is expected to disrupt the last 4 amino acids of the CACNB4 protein. This variant is present in population databases (rs370263335, ExAC 0.03%). This variant has not been reported in the literature in individuals with CACNB4-related disease. ClinVar contains an entry for this variant (Variation ID: 204936). In summary, the available evidence is currently insufficient to determine the role of this variant in disease. Therefore, it has been classified as a Variant of Uncertain Significance.

GeneDx
Classification: Uncertain significance. Last evaluated: 2017-11-13. Review status: criteria provided, single submitter. Criteria: GeneDx Variant Classification (06012015). Collection method: clinical testing. Allele origin: germline. Affected: yes.
Comment: p.Arg517Stop (CGA>TGA): c.1549 C>T in exon 14 of the CACNB4 gene (NM_000726.2). The Arg517Stop nonsense variant in the CACNB4 gene has not been published as a mutation, nor has it been reported as a benign polymorphism to our knowledge. The variant may cause loss of normal protein function through protein truncation as the last four amino acids of the protein are lost; however, the affect of nonsense mutations at the end of the protein is unknown. Therefore, based on the currently available information, it is unclear whether Arg517Stop is a disease-causing mutation or a rare benign variant. The variant is found in EPILEPSY panel(s).

NM_000726.5(CACNB4):c.1549C>T (p.Arg517Ter)

Gene: CACNB4 (calcium voltage-gated channel auxiliary subunit beta 4; minus strand). Cytogenetic location: 2q23.3.
Variant type: single nucleotide variant.
Coding change: c.1549C>T on transcript NM_000726.5 (MANE Select); coding-DNA position 1549, C replaced by T.
Protein change: p.Arg517Ter; replaces arginine 517 with a stop codon.
Molecular consequence: nonsense.
Genome position (GRCh38, 1-based): chr2:151,839,133, G>A on the plus strand (C>T on the coding strand, the complement: CACNB4 is on the minus strand). VCF-style: chr2-151839133-G-A. GRCh37 (hg19) VCF-style: chr2-152695647-G-A.
Other names: p.R517*:CGA>TGA; c.1495C>T, p.Arg499Ter (NM_001005746.4); c.1447C>T, p.Arg483Ter (NM_001005747.4); c.1363C>T, p.Arg455Ter (NM_001145798.3); c.1408C>T, p.Arg470Ter (NM_001320722.3, NM_001330118.2); c.1306C>T, p.Arg436Ter (NM_001330113.2); c.895C>T, p.Arg299Ter (NM_001330114.2); c.1258C>T, p.Arg420Ter (NM_001330115.2); and 2 more; short protein forms R517*, R483*, R299*, R436*, R455*, R407*, R331*, R420*.
Identifiers: ClinVar variation 204936 (VCV000204936.3), dbSNP rs370263335, ClinGen allele CA313399.